The following is an entry in ClinVar:

NM_020706.2(SCAF4):c.3277G>C (p.Val1093Leu)

Gene: SCAF4 (SR-related CTD associated factor 4; minus strand). Cytogenetic location: 21q22.11.
Variant type: single nucleotide variant.
Coding change: c.3277G>C on transcript NM_020706.2 (MANE Select); coding-DNA position 3277, G replaced by C.
Protein change: p.Val1093Leu; replaces valine 1093 with leucine.
Molecular consequence: missense variant.
Genome position (GRCh38, 1-based): chr21:31,671,566, C>G on the plus strand (G>C on the coding strand, the complement: SCAF4 is on the minus strand). VCF-style: chr21-31671566-C-G. GRCh37 (hg19) VCF-style: chr21-33043879-C-G.
Other names: c.3232G>C, p.Val1078Leu (NM_001145444.1); c.3211G>C, p.Val1071Leu (NM_001145445.1); short protein forms V1071L, V1078L, V1093L.
Identifiers: ClinVar variation 4820965 (VCV004820965.4).

ClinVar aggregate classification (germline): Likely benign (1 of 4 stars; one submission).

gnomAD v4.1: 871 of 1,614,144 alleles (0.054%); highest among the groups gnomAD compares: Non-Finnish European, 0.066%; no homozygotes.

Submission:

CeGaT Center for Human Genetics Tuebingen
Classification: Likely benign. Last evaluated: 2026-01-01. Review status: criteria provided, single submitter. Criteria: CeGaT Center For Human Genetics Tuebingen Variant Classification Criteria Version 2. Collection method: clinical testing. Allele origin: germline. Affected: yes. Observed: 1 variant allele.
Comment: SCAF4: BP4